The following is an entry in ClinVar:

NM_001278431.2(C1QTNF5):c.212C>G (p.Pro71Arg)

Genes: C1QTNF5 (C1q and TNF related 5; minus strand), MFRP (membrane frizzled-related protein; minus strand). Cytogenetic location: 11q23.3.
Variant type: single nucleotide variant.
Coding change: c.212C>G on transcript NM_001278431.2 (MANE Select); coding-DNA position 212, C replaced by G.
Protein change: p.Pro71Arg; replaces proline 71 with arginine.
Molecular consequence: missense variant. On other transcripts: 3 prime UTR variant (1).
Genome position (GRCh38, 1-based): chr11:119,340,186, G>C on the plus strand (C>G on the coding strand, the complement: C1QTNF5 is on the minus strand). VCF-style: chr11-119340186-G-C. GRCh37 (hg19) VCF-style: chr11-119210896-G-C.
Other names: c.212C>G, p.Pro71Arg (NM_015645.5); c.*1108C>G (NM_031433.4); short protein forms P71R.
Identifiers: ClinVar variation 1494238 (VCV001494238.8), dbSNP rs554735772, ClinGen allele CA6319991.
Genomic context (GRCh38, chr11:119,340,186, plus strand): 5'-AGCTGCGGCCGCGCCTGCTCGGACATCGCCACCGATAGCCGCGGCGGTGCCTTCTTACCC[G>C]GCCTCCCGCCCTCGCCTTTCTCTCCCGGAGCCCCGGGCGCGCCGTCGCGGCCGTCGCGGC-3'
Protein context (NP_001265360.1, residues 61-81): APGEKGEGGR[Pro71Arg]GLPGPRGDPG

ClinVar aggregate classification (germline): Uncertain significance (1 of 4 stars; one submission).

gnomAD v4.1: 21 of 1,514,154 alleles (0.0014%); highest among the groups gnomAD compares: South Asian, 0.005%; no homozygotes.

Submission:

Labcorp Genetics (formerly Invitae), Labcorp
Classification: Uncertain significance. Last evaluated: 2025-08-12. Review status: criteria provided, single submitter. Criteria: Invitae Variant Classification Sherloc (09022015). Collection method: clinical testing. Allele origin: germline.
Comment: This sequence change replaces proline, which is neutral and non-polar, with arginine, which is basic and polar, at codon 71 of the C1QTNF5 protein (p.Pro71Arg). This variant is present in population databases (rs554735772, gnomAD 0.01%). This variant has not been reported in the literature in individuals affected with C1QTNF5-related conditions. ClinVar contains an entry for this variant (Variation ID: 1494238). An algorithm developed to predict the effect of missense changes on protein structure and function (PolyPhen-2) suggests that this variant is likely to be disruptive. Algorithms developed to predict the effect of sequence changes on RNA splicing suggest that this variant may disrupt the consensus splice site. In summary, the available evidence is currently insufficient to determine the role of this variant in disease. Therefore, it has been classified as a Variant of Uncertain Significance.